The following is an entry in ClinVar:

NM_024675.4(PALB2):c.3318G>T (p.Met1106Ile)

Gene: PALB2 (partner and localizer of BRCA2; minus strand). Cytogenetic location: 16p12.2.
Variant type: single nucleotide variant.
Coding change: c.3318G>T on transcript NM_024675.4 (MANE Select); coding-DNA position 3318, G replaced by T.
Protein change: p.Met1106Ile; replaces methionine 1106 with isoleucine.
Molecular consequence: missense variant. On other transcripts: intron variant (8).
Genome position (GRCh38, 1-based): chr16:23,607,896, C>A on the plus strand (G>T on the coding strand, the complement: PALB2 is on the minus strand). VCF-style: chr16-23607896-C-A. GRCh37 (hg19) VCF-style: chr16-23619217-C-A.
Other names: c.3258G>T, p.Met1086Ile (NM_001407296.1); c.3246G>T, p.Met1082Ile (NM_001407297.1); c.3156G>T, p.Met1052Ile (NM_001407298.1); c.3039G>T, p.Met1013Ile (NM_001407300.1); c.2433G>T, p.Met811Ile (NM_001407304.1, NM_001407305.1, NM_001407306.1); c.2271G>T, p.Met757Ile (NM_001407307.1); c.1530G>T, p.Met510Ile (NM_001407312.1); c.852G>T, p.Met284Ile (NM_001407314.1); and 6 more; short protein forms M1013I, M1086I, M757I, M1082I, M811I, M284I, M1052I, M1106I.
Identifiers: ClinVar variation 4723250 (VCV004723250.1).

ClinVar aggregate classification (germline): Uncertain significance (1 of 4 stars; one submission).

Conditions:
Familial cancer of breast. Also called: hereditary breast carcinoma; BREAST CANCER, FAMILIAL; Hereditary breast cancer. Identifiers: Orphanet 227535, MedGen C0346153, MONDO:0016419, OMIM 114480. Disease mechanism: loss of function.

Submission:

Labcorp Genetics (formerly Invitae), Labcorp
Classification: Uncertain significance for Familial cancer of breast. Last evaluated: 2025-07-15. Review status: criteria provided, single submitter. Criteria: Invitae Variant Classification Sherloc (09022015). Collection method: clinical testing. Allele origin: germline.
Comment: This sequence change replaces methionine, which is neutral and non-polar, with isoleucine, which is neutral and non-polar, at codon 1106 of the PALB2 protein (p.Met1106Ile). This variant is not present in population databases (gnomAD no frequency). This variant has not been reported in the literature in individuals affected with PALB2-related conditions. An algorithm developed to predict the effect of missense changes on protein structure and function (PolyPhen-2) suggests that this variant is likely to be tolerated. Algorithms developed to predict the effect of sequence changes on RNA splicing suggest that this variant may disrupt the consensus splice site. In summary, the available evidence is currently insufficient to determine the role of this variant in disease. Therefore, it has been classified as a Variant of Uncertain Significance.